The following is an entry in ClinVar:

NM_182972.3(IRF2BP2):c.1137G>A (p.Trp379Ter)

Gene: IRF2BP2 (interferon regulatory factor 2 binding protein 2; minus strand). Cytogenetic location: 1q42.3.
Variant type: single nucleotide variant.
Coding change: c.1137G>A on transcript NM_182972.3 (MANE Select); coding-DNA position 1137, G replaced by A.
Protein change: p.Trp379Ter; replaces tryptophan 379 with a stop codon.
Molecular consequence: nonsense.
Genome position (GRCh38, 1-based): chr1:234,607,764, C>T on the plus strand (G>A on the coding strand, the complement: IRF2BP2 is on the minus strand). VCF-style: chr1-234607764-C-T. GRCh37 (hg19) VCF-style: chr1-234743510-C-T.
Other names: c.1089G>A, p.Trp363Ter (NM_001077397.1); short protein forms W363*, W379*.
Identifiers: ClinVar variation 3362908 (VCV003362908.3).
Genomic context (GRCh38, chr1:234,607,764, plus strand): 5'-AGACACAAAAGAGGATGTAGGAGTCATGGGGATCTTGAGCCCCTCTGTGGATGTGGACAG[C>T]CACGGCTGGGCCTCTCCGTTGATCTTAGGGGGCCCGACTTCACCTTCTGGTTCTGGAGAG-3'

ClinVar aggregate classification (germline): Conflicting classifications of pathogenicity. Review status: criteria provided, conflicting classifications (1 of 4 stars). 2 submissions from 2 submitters: Likely pathogenic (1); Uncertain significance (1). Last evaluated 2025-07-22.

Conditions:
Immunodeficiency, common variable, 14. Identifiers: Orphanet 696904, MedGen C4540380, MONDO:0054691, OMIM 617765.

Submissions (2):

3billion
Classification: Uncertain significance for Immunodeficiency, common variable, 14. Last evaluated: 2025-07-22. Review status: criteria provided, single submitter. Criteria: ACMG Guidelines, 2015. Collection method: clinical testing. Allele origin: germline. Affected: yes.
Comment: The variant is not observed in the gnomAD v4.1.0 dataset. Predicted Consequence/Location: Stop-gained (nonsense): predicted to result in a loss or disruption of normal protein function through protein truncation. The predicted truncated protein may be shortened by more than 10%. The variant has been reported to be associated with IRF2BP2-related disorder (ClinVar ID: VCV003362908). However, the evidence of pathogenicity is insufficient at this time. Therefore, this variant is classified as VUS according to the recommendation of ACMG/AMP guideline.

Center for Precision Genome Editing and Genetic Technologies for Biomedicine, Pirogov Russian National Research Medical University
Classification: Likely pathogenic for Immunodeficiency, common variable, 14. Last evaluated: 2023-10-31. Review status: criteria provided, single submitter. Criteria: Submitter's publication. Collection method: research. Allele origin: maternal. Inheritance: Autosomal dominant inheritance. Affected: yes. Observed: 2 variant alleles, 2 heterozygotes. Clinical features observed: Low IgG level, Scleroderma, Recurrent respiratory infections.
Comment: Variant IRF2BP2(NM_182972.2):c.1137G>A is a nonsense variant that leads to the formation of a premature stop codon, which will result in a reduction in the amount of protein product - PVS1. This variant has not been detected in control samples nor in patients with Immunodeficiency, common variable, 14, OMIM: 617765, hence the PM2 criterion applies. [Richards S, Aziz N, Bale S, et al. Standards and guidelines for the interpretation of sequence variants: a joint consensus recommendation of the American College of Medical Genetics and Genomics and the Association for Molecular Pathology. Genet Med. 2015;17(5):405-424. doi:10.1038/gim.2015.30]